The following is an entry in ClinVar:

ClinVar aggregate classification (germline): Likely benign. Review status: criteria provided, multiple submitters, no conflicts (2 of 4 stars). 2 submissions from 2 submitters: Likely benign (2). Last evaluated 2025-06-16.

Conditions:
SMAD2-related disorder. Also called: SMAD2-related condition; SMAD2-related disorders.
Inborn genetic diseases. Identifiers: MedGen C0950123, MeSH D030342.

gnomAD v4.1: 1 of 1,613,760 alleles (0.000062%); highest among the groups gnomAD compares: Admixed American, 0.0017%; no homozygotes.

Submissions (2):

PreventionGenetics, part of Exact Sciences
Classification: Likely benign for SMAD2-related condition. Last evaluated: 2025-06-16. Review status: criteria provided, single submitter. Criteria: ACMG Guidelines, 2015. Collection method: clinical testing. Allele origin: germline.
Comment: This variant is classified as likely benign based on ACMG/AMP sequence variant interpretation guidelines (Richards et al. 2015 PMID: 25741868, with internal and published modifications).

Ambry Genetics
Classification: Likely benign for Inborn genetic diseases. Last evaluated: 2024-10-22. Review status: criteria provided, single submitter. Criteria: Ambry Variant Classification Scheme 2023. Collection method: clinical testing. Allele origin: germline.

NM_005901.6(SMAD2):c.1215C>G (p.Val405=)

Gene: SMAD2 (SMAD family member 2; minus strand). Cytogenetic location: 18q21.1.
Variant type: single nucleotide variant.
Coding change: c.1215C>G on transcript NM_005901.6 (MANE Select); coding-DNA position 1215, C replaced by G.
Protein change: p.Val405=; no amino-acid change (valine 405 retained).
Molecular consequence: synonymous variant.
Genome position (GRCh38, 1-based): chr18:47,845,405, G>C on the plus strand (C>G on the coding strand, the complement: SMAD2 is on the minus strand). VCF-style: chr18-47845405-G-C. GRCh37 (hg19) VCF-style: chr18-45371776-G-C.
Other names: c.1215C>G (NM_005901.5); c.1215C>G, p.Val405= (NM_001003652.4); c.1125C>G, p.Val375= (NM_001135937.3).
Identifiers: ClinVar variation 3445797 (VCV003445797.2).